The following is an entry in ClinVar:

NM_014140.4(SMARCAL1):c.142C>T (p.Gln48Ter)

Gene: SMARCAL1 (SNF2 related chromatin remodeling annealing helicase 1; plus strand). Cytogenetic location: 2q35.
Variant type: single nucleotide variant.
Coding change: c.142C>T on transcript NM_014140.4 (MANE Select); coding-DNA position 142, C replaced by T.
Protein change: p.Gln48Ter; replaces glutamine 48 with a stop codon.
Molecular consequence: nonsense.
Genome position (GRCh38, 1-based): chr2:216,414,846, C>T. VCF-style: chr2-216414846-C-T. GRCh37 (hg19) VCF-style: chr2-217279569-C-T.
Other names: c.142C>T, p.Gln48Ter (NM_001127207.2); short protein forms Q48*.
Identifiers: ClinVar variation 5006208 (VCV005006208.2).

ClinVar aggregate classification (germline): Likely pathogenic (1 of 4 stars; one submission).

Conditions:
Schimke immuno-osseous dysplasia (SIOD). Also called: Schimke Immunoosseous Dysplasia. Identifiers: Orphanet 1830, MedGen C0877024, MONDO:0009458, OMIM 242900.

Submission:

Juno Genomics, Hangzhou Juno Genomics, Inc
Classification: Likely pathogenic for Schimke immuno-osseous dysplasia. Review status: criteria provided, single submitter. Criteria: ACMG Guidelines, 2015. Collection method: clinical testing. Allele origin: germline.
Comment: Null variant in a gene where loss of function (LOF) is a known mechanism of disease.;Absent from controls (or at extremely low frequency if recessive) in Genome Aggregation Database.